The following is an entry in ClinVar:

ClinVar aggregate classification (germline): Likely benign. Review status: reviewed by expert panel (3 of 4 stars). 10 submissions from 10 submitters: Likely benign (1). 9 of the submissions do not count toward it. Last evaluated 2017-06-29.

Conditions:
Hereditary cancer-predisposing syndrome. Also called: Tumor predisposition; Neoplastic Syndromes, Hereditary; Hereditary Cancer Syndrome; Hereditary neoplastic syndrome. Identifiers: Orphanet 140162, MedGen C0027672, MeSH D009386, MONDO:0015356.
Hereditary breast ovarian cancer syndrome. Also called: Hereditary breast and ovarian cancer syndrome (HBOC); Hereditary breast and ovarian cancer syndrome; Hereditary breast and ovarian cancer; Hereditary breast and/or ovarian cancer syndrome; Breast and ovarian cancer; BRCA1- and BRCA2-Associated Hereditary Breast and Ovarian Cancer. Identifiers: Orphanet 145, MedGen C0677776, MeSH D061325, MONDO:0003582. Disease mechanism: loss of function.
Breast-ovarian cancer, familial, susceptibility to, 1 (BROVCA1). Also called: OVARIAN CANCER, SUSCEPTIBILITY TO; BRCA1 Hereditary Breast and Ovarian Cancer. Identifiers: Orphanet 145, MedGen C2676676, MONDO:0011450, OMIM 604370. Disease mechanism: loss of function.

Allele frequency attached by ClinVar (database versions not stated): gnomAD 0.00001; ExAC 0.00002; TOPMed 0.00003; gnomAD exomes 0.00004.
gnomAD v4.1: 13 of 1,614,104 alleles (0.00081%); highest among the groups gnomAD compares: Admixed American, 0.013%; no homozygotes.

Submissions (10):

Evidence-based Network for the Interpretation of Germline Mutant Alleles (ENIGMA)
Classification: Likely benign for Breast-ovarian cancer, familial, susceptibility to, 1. Last evaluated: 2017-06-29. Review status: reviewed by expert panel. Criteria: ENIGMA BRCA1/2 Classification Criteria (2017-06-29). Collection method: curation. Allele origin: germline.
Comment: Synonymous substitution variant, with low bioinformatic likelihood to result in a splicing aberration (Splicing prior probability 0.02).

Labcorp Genetics (formerly Invitae), Labcorp
Classification: Likely benign for Hereditary breast ovarian cancer syndrome. Last evaluated: 2026-01-06. Review status: criteria provided, single submitter. Criteria: Invitae Variant Classification Sherloc (09022015). Collection method: clinical testing. Allele origin: germline. Not counted in ClinVar's aggregate classification.

ARUP Laboratories, Molecular Genetics and Genomics, ARUP Laboratories
Classification: Likely benign. Last evaluated: 2025-04-30. Review status: criteria provided, single submitter. Criteria: ARUP Molecular Germline Variant Investigation Process 2024. Collection method: clinical testing. Allele origin: germline. Not counted in ClinVar's aggregate classification.

All of Us Research Program, National Institutes of Health
Classification: Likely benign for Breast-ovarian cancer, familial, susceptibility to, 1. Last evaluated: 2023-09-05. Review status: criteria provided, single submitter. Criteria: ACMG Guidelines, 2015. Collection method: clinical testing. Allele origin: germline. Inheritance: Autosomal dominant inheritance. Observed: 2 variant alleles, 2 heterozygotes. Not counted in ClinVar's aggregate classification.
Comment: This study involves interpretation of variants in research participants for the purpose of population health screening. Participant phenotype was not available at the time of variant classification. Additional details can be found in publication PMID: 35346344, PMCID: PMC8962531

Quest Diagnostics Nichols Institute San Juan Capistrano
Classification: Benign. Last evaluated: 2019-04-23. Review status: criteria provided, single submitter. Criteria: Quest Diagnostics criteria. Collection method: clinical testing. Allele origin: unknown. Not counted in ClinVar's aggregate classification.

Color Diagnostics, LLC DBA Color Health
Classification: Likely benign for Hereditary cancer-predisposing syndrome. Last evaluated: 2016-12-19. Review status: criteria provided, single submitter. Criteria: ACMG Guidelines, 2015. Collection method: clinical testing. Allele origin: germline. Not counted in ClinVar's aggregate classification.

GeneDx
Classification: Benign. Last evaluated: 2015-06-25. Review status: criteria provided, single submitter. Criteria: GeneDx Variant Classification Process June 2021. Collection method: clinical testing. Allele origin: germline. Affected: yes. Not counted in ClinVar's aggregate classification.
Comment: This variant is associated with the following publications: (PMID: 18627636, 30702160)

Ambry Genetics
Classification: Likely benign for Hereditary cancer-predisposing syndrome. Last evaluated: 2014-07-01. Review status: criteria provided, single submitter. Criteria: Ambry Variant Classification Scheme 2023. Collection method: clinical testing. Allele origin: germline. Not counted in ClinVar's aggregate classification.

Counsyl
Classification: Likely benign for Breast-ovarian cancer, familial, susceptibility to, 1. Last evaluated: 2016-01-13. Review status: no assertion criteria provided. Collection method: clinical testing. Allele origin: unknown. Not counted in ClinVar's aggregate classification.

Breast Cancer Information Core (BIC) (BRCA1)
Classification: Uncertain significance for Breast-ovarian cancer, familial 1. Last evaluated: 2010-09-18. Review status: no assertion criteria provided. Collection method: clinical testing. Allele origin: germline. Affected: yes. Observed: 1 variant allele. Not counted in ClinVar's aggregate classification.

Literature cited by the submitters: PubMed 18431501 (cited by Quest Diagnostics Nichols Institute San Juan Capistrano and Counsyl); PubMed 18627636 (cited by Quest Diagnostics Nichols Institute San Juan Capistrano and Counsyl); PubMed 18273839 (cited by Quest Diagnostics Nichols Institute San Juan Capistrano and Counsyl).

NM_007294.4(BRCA1):c.2931A>G (p.Pro977=)

Gene: BRCA1 (BRCA1 DNA repair associated; minus strand). Cytogenetic location: 17q21.31.
Variant type: single nucleotide variant.
Coding change: c.2931A>G on transcript NM_007294.4 (MANE Select); coding-DNA position 2931, A replaced by G.
Protein change: p.Pro977=; no amino-acid change (proline 977 retained).
Molecular consequence: synonymous variant. On other transcripts: intron variant (137).
Genome position (GRCh38, 1-based): chr17:43,092,600, T>C on the plus strand (A>G on the coding strand, the complement: BRCA1 is on the minus strand). VCF-style: chr17-43092600-T-C. GRCh37 (hg19) VCF-style: chr17-41244617-T-C.
Other names: P977P; c.2790A>G, p.Pro930= (NM_001407694.1, NM_001407695.1, NM_001407696.1 and 29 more transcripts); c.2787A>G, p.Pro929= (NM_001407740.1, NM_001407741.1, NM_001407742.1 and 20 more transcripts); c.2718A>G, p.Pro906= (NM_001407853.1, NM_001407894.1, NM_001407895.1 and 9 more transcripts); c.2931A>G, p.Pro977= (NM_001407854.1, NM_001407858.1, NM_001407859.1 and 30 more transcripts); c.2928A>G, p.Pro976= (NM_001407860.1, NM_001407861.1, NM_001407587.1 and 22 more transcripts); c.2730A>G, p.Pro910= (NM_001407862.1); c.2808A>G, p.Pro936= (NM_001407863.1, NM_001407919.1, NM_001407937.1 and 19 more transcripts); and 42 more.
Identifiers: ClinVar variation 54725 (VCV000054725.27), dbSNP rs273899691, ClinGen allele CA001913.